The following is an entry in ClinVar:

ClinVar aggregate classification (germline): Likely benign (0 of 4 stars; one submission).

Conditions:
NAV2-related disorder. Also called: NAV2-related condition.

Allele frequency attached by ClinVar (database versions not stated): ExAC 0.00064; 1000 Genomes Project 0.00100; 1000 Genomes Project 30x 0.00141; gnomAD 0.00188; TOPMed 0.00213; ESP Exome Variant Server 0.00285.
gnomAD v4.1: 546 of 1,592,504 alleles (0.034%); highest among the groups gnomAD compares: African/African-American, 0.63%; 2 homozygotes.

Submission:

PreventionGenetics, part of Exact Sciences
Classification: Likely benign for NAV2-related condition. Last evaluated: 2019-11-07. Review status: no assertion criteria provided. Collection method: clinical testing. Allele origin: germline.
Comment: This variant is classified as likely benign based on ACMG/AMP sequence variant interpretation guidelines (Richards et al. 2015 PMID: 25741868, with internal and published modifications).

NM_145117.5(NAV2):c.1762C>T (p.Arg588Trp)

Gene: NAV2 (neuron navigator 2; plus strand). Cytogenetic location: 11p15.1.
Variant type: single nucleotide variant.
Coding change: c.1762C>T on transcript NM_145117.5 (MANE Select); coding-DNA position 1762, C replaced by T.
Protein change: p.Arg588Trp; replaces arginine 588 with tryptophan.
Molecular consequence: missense variant.
Genome position (GRCh38, 1-based): chr11:19,934,006, C>T. VCF-style: chr11-19934006-C-T. GRCh37 (hg19) VCF-style: chr11-19955552-C-T.
Other names: c.1570C>T, p.Arg524Trp (NM_001111018.2); c.1831C>T, p.Arg611Trp (NM_001244963.2); c.1762C>T, p.Arg588Trp (NM_182964.6); short protein forms R524W, R588W, R611W.
Identifiers: ClinVar variation 3033377 (VCV003033377.2), dbSNP rs142297156, ClinGen allele CA5917956.